The following is an entry in ClinVar:

NC_000016.9:g.(?_88713499)_(88714532_?)del

Gene: CYBA (cytochrome b-245 alpha chain; minus strand). Cytogenetic location: 16q24.3.
Variant type: Deletion.
Identifiers: ClinVar variation 1074797 (VCV001074797.8).

ClinVar aggregate classification (germline): Pathogenic (1 of 4 stars; one submission).

Conditions:
Granulomatous disease, chronic, autosomal recessive, cytochrome b-negative. Also called: GRANULOMATOUS DISEASE, CHRONIC, AUTOSOMAL RECESSIVE, 4; CGD DUE TO DEFICIENCY OF THE ALPHA SUBUNIT OF CYTOCHROME b; CGD, AUTOSOMAL RECESSIVE CYTOCHROME b-NEGATIVE; CYBA DEFICIENCY; Chronic granulomatous disease, autosomal, due to deficiency of CYBA. Identifiers: Orphanet 379, MedGen C1856255, MONDO:0009308, OMIM 233690.

Submission:

Labcorp Genetics (formerly Invitae), Labcorp
Classification: Pathogenic for Granulomatous disease, chronic, autosomal recessive, cytochrome b-negative. Last evaluated: 2021-08-04. Review status: criteria provided, single submitter. Criteria: Invitae Variant Classification Sherloc (09022015). Collection method: clinical testing. Allele origin: germline.
Comment: This variant is a gross deletion of the genomic region encompassing exon(s) 2-3 of the CYBA gene. This deletion is out-of-frame, and is expected to create a premature translational stop signal and result in an absent or disrupted protein product. Loss-of-function variants in CYBA are known to be pathogenic (PMID: 10910929, 20167518, 22876374). A similar copy number variant has been observed in individual(s) with chronic granulomatous disease (PMID: 10910929). For these reasons, this variant has been classified as Pathogenic.

Literature cited by the submitters: PubMed 10910929; PubMed 20167518; PubMed 22876374.